The following is an entry in ClinVar:

NM_000093.5(COL5A1):c.91C>T (p.Pro31Ser)

Gene: COL5A1 (collagen type V alpha 1 chain; plus strand). Cytogenetic location: 9q34.3.
Variant type: single nucleotide variant.
Coding change: c.91C>T on transcript NM_000093.5 (MANE Select); coding-DNA position 91, C replaced by T.
Protein change: p.Pro31Ser; replaces proline 31 with serine.
Molecular consequence: missense variant.
Genome position (GRCh38, 1-based): chr9:134,642,278, C>T. VCF-style: chr9-134642278-C-T. GRCh37 (hg19) VCF-style: chr9-137534124-C-T.
Other names: c.91C>T, p.Pro31Ser (NM_001278074.1); short protein forms P31S.
Identifiers: ClinVar variation 5008985 (VCV005008985.1).

ClinVar aggregate classification (germline): Uncertain significance (1 of 4 stars; one submission).

Submission:

GeneDx
Classification: Uncertain significance. Last evaluated: 2026-03-18. Review status: criteria provided, single submitter. Criteria: GeneDx Variant Classification Process June 2021. Collection method: clinical testing. Allele origin: germline.
Comment: Not observed at significant frequency in large population cohorts (gnomAD); In silico analysis suggests that this missense variant does not alter protein structure/function; Has not been previously published as pathogenic or benign to our knowledge; Not located in the triple helical region, where the majority of pathogenic missense variants occur (PMID: 22696272; HGMD); This variant is associated with the following publications: (PMID: 22696272)